The following is an entry in ClinVar:

NM_021074.5(NDUFV2):c.324T>A (p.Pro108=)

Genes: NDUFV2 (NADH:ubiquinone oxidoreductase core subunit V2; plus strand), NDUFV2-AS1 (NDUFV2 antisense RNA 1; minus strand). Cytogenetic location: 18p11.22.
Variant type: single nucleotide variant.
Coding change: c.324T>A on transcript NM_021074.5 (MANE Select); coding-DNA position 324, T replaced by A.
Protein change: p.Pro108=; no amino-acid change (proline 108 retained).
Molecular consequence: synonymous variant.
Genome position (GRCh38, 1-based): chr18:9,122,536, T>A. VCF-style: chr18-9122536-T-A. GRCh37 (hg19) VCF-style: chr18-9122534-T-A.
Identifiers: ClinVar variation 384983 (VCV000384983.1), dbSNP rs748301196, ClinGen allele CA8887188.
Genomic context (GRCh38, chr18:9,122,536, plus strand): 5'-TGTAATTATCTTATTTTTAAATGTCCTAATATTTTAGGTTGCAGAAGTTTTACAAGTACC[T>A]CCAATGAGAGTATATGAAGTAGCAACTTTTTATACAATGTATAATCGAAAGCCAGTTGGA-3'
Protein context (NP_066552.2, residues 98-118): MNKVAEVLQV[Pro108=]PMRVYEVATF

ClinVar aggregate classification (germline): Likely benign (1 of 4 stars; one submission).

gnomAD v4.1: 8 of 1,613,774 alleles (0.0005%); highest among the groups gnomAD compares: South Asian, 0.0077%; no homozygotes.

Submission:

GeneDx
Classification: Likely benign. Last evaluated: 2016-04-19. Review status: criteria provided, single submitter. Criteria: GeneDx Variant Classification (06012015). Collection method: clinical testing. Allele origin: germline. Affected: yes.
Comment: This variant is considered likely benign or benign based on one or more of the following criteria: it is a conservative change, it occurs at a poorly conserved position in the protein, it is predicted to be benign by multiple in silico algorithms, and/or has population frequency not consistent with disease.